The following is an entry in ClinVar:

ClinVar aggregate classification (germline): Likely benign (1 of 4 stars; one submission).

Allele frequency attached by ClinVar (database versions not stated): gnomAD 0.00749 and 0.00802; 1000 Genomes Project 0.00759; TOPMed 0.00888; 1000 Genomes Project 30x 0.00953.
gnomAD v4.1: 1,128 of 152,328 alleles (0.74%); highest among the groups gnomAD compares: African/African-American, 2.6%; 10 homozygotes.

Submission:

GeneDx
Classification: Likely benign. Last evaluated: 2018-06-14. Review status: criteria provided, single submitter. Criteria: GeneDx Variant Classification (06012015). Collection method: clinical testing. Allele origin: germline. Affected: yes.
Comment: This variant is considered likely benign or benign based on one or more of the following criteria: it is a conservative change, it occurs at a poorly conserved position in the protein, it is predicted to be benign by multiple in silico algorithms, and/or has population frequency not consistent with disease.

NM_003098.3(SNTA1):c.1040+175G>A

Gene: SNTA1 (syntrophin alpha 1; minus strand). Cytogenetic location: 20q11.21.
Variant type: single nucleotide variant.
Coding change: c.1040+175G>A on transcript NM_003098.3 (MANE Select); 175 bases into the intron after coding-DNA position 1040, G replaced by A.
Molecular consequence: intron variant.
Genome position (GRCh38, 1-based): chr20:33,412,121, C>T on the plus strand (G>A on the coding strand, the complement: SNTA1 is on the minus strand). VCF-style: chr20-33412121-C-T. GRCh37 (hg19) VCF-style: chr20-31999927-C-T.
Identifiers: ClinVar variation 675443 (VCV000675443.1), dbSNP rs77700180, ClinGen allele CA313253117.